The following is an entry in ClinVar:

NM_015599.3(PGM3):c.1391C>T (p.Thr464Ile)

Genes: DOP1A (DOP1 leucine zipper like protein A; plus strand), PGM3 (phosphoglucomutase 3; minus strand). Cytogenetic location: 6q14.1.
Variant type: single nucleotide variant.
Coding change: c.1391C>T on transcript NM_015599.3 (MANE Select); coding-DNA position 1391, C replaced by T.
Protein change: p.Thr464Ile; replaces threonine 464 with isoleucine.
Molecular consequence: missense variant. On other transcripts: non-coding transcript variant (2).
Genome position (GRCh38, 1-based): chr6:83,170,453, G>A on the plus strand (C>T on the coding strand, the complement: PGM3 is on the minus strand). VCF-style: chr6-83170453-G-A. GRCh37 (hg19) VCF-style: chr6-83880172-G-A.
Other names: c.1475C>T, p.Thr492Ile (NM_001199917.2, NM_001367287.1); c.1148C>T, p.Thr383Ile (NM_001199918.2); c.1391C>T, p.Thr464Ile (NM_001199919.2); c.1268C>T, p.Thr423Ile (NM_001367286.1); short protein forms T383I, T423I, T464I, T492I.
Identifiers: ClinVar variation 3339141 (VCV003339141.1).
Genomic context (GRCh38, chr6:83,170,453, plus strand): 5'-AGGTCATTGATTGCCTCCTGTAATCCTGGGGGTGTAACTGCTTGTCTTTCAGCATCGGTA[G>A]TGCTAATAACTCTCCTGTCTGCAACCTAAGTGCAAGCATTTCATATTTGTTACTCTATTA-3'
Protein context (NP_056414.1, residues 454-474): VQVADRRVIS[Thr464Ile]TDAERQAVTP

ClinVar aggregate classification (germline): Uncertain significance (1 of 4 stars; one submission).

Submission:

Women's Health and Genetics/Laboratory Corporation of America, LabCorp
Classification: Uncertain significance. Last evaluated: 2024-07-03. Review status: criteria provided, single submitter. Criteria: LabCorp Variant Classification Summary - May 2015. Collection method: clinical testing. Allele origin: germline.
Comment: Variant summary: PGM3 c.1475C>T (p.Thr492Ile) results in a non-conservative amino acid change located in the Alpha-D-phosphohexomutase, C-terminal domain (IPR005843) of the encoded protein sequence. Four of five in-silico tools predict a damaging effect of the variant on protein function. The variant was absent in 251342 control chromosomes (gnomAD). c.1475C>T has been reported in the literature in individuals affected with PGM3 deficiency (Garcia-Garcia_2021). These data indicate that the variant may be associated with disease. To our knowledge, no experimental evidence demonstrating an impact on protein function has been reported. The following publication has been ascertained in the context of this evaluation (PMID: 33098103). No submitters have cited clinical-significance assessments for this variant to ClinVar. Based on the evidence outlined above, the variant was classified as VUS-possibly pathogenic.

Literature cited by the submitters: PubMed 33098103.